The following is an entry in ClinVar:

NM_182476.3(COQ6):c.877G>A (p.Val293Ile)

Genes: COQ6 (coenzyme Q6, monooxygenase; plus strand), ENTPD5 (ectonucleoside triphosphate diphosphohydrolase 5; minus strand). Cytogenetic location: 14q24.3.
Variant type: single nucleotide variant.
Coding change: c.877G>A on transcript NM_182476.3 (MANE Select); coding-DNA position 877, G replaced by A.
Protein change: p.Val293Ile; replaces valine 293 with isoleucine.
Molecular consequence: missense variant. On other transcripts: 3 prime UTR variant (3), intron variant (4).
Genome position (GRCh38, 1-based): chr14:73,959,508, G>A. VCF-style: chr14-73959508-G-A. GRCh37 (hg19) VCF-style: chr14-74426211-G-A.
Other names: p.Val293Ile; c.622G>A, p.Val208Ile (NM_001425262.1); c.550G>A, p.Val184Ile (NM_001425263.1); c.337G>A, p.Val113Ile (NM_001425264.1, NM_001425265.1); c.802G>A, p.Val268Ile (NM_182480.3); c.*22C>T (NM_001330189.2, NM_001382259.1, NM_001382260.1); c.708+284G>A (NM_001425258.1); c.783+284G>A (NM_001425256.1); and 5 more; short protein forms V268I, V293I.
Identifiers: ClinVar variation 1693622 (VCV001693622.9), dbSNP rs201706177, ClinGen allele CA7264358.

ClinVar aggregate classification (germline): Conflicting classifications of pathogenicity. Review status: criteria provided, conflicting classifications (1 of 4 stars). 4 submissions from 4 submitters: Uncertain significance (3); Likely benign (1). Last evaluated 2025-09-17.

Conditions:
Familial steroid-resistant nephrotic syndrome with sensorineural deafness. Identifiers: Orphanet 280406, MedGen C3553349, MONDO:0013836, OMIM 614650.
Inborn genetic diseases. Identifiers: MedGen C0950123, MeSH D030342.

gnomAD v4.1: 76 of 1,614,006 alleles (0.0047%); highest among the groups gnomAD compares: Admixed American, 0.0083%; no homozygotes.

Submissions (4):

Labcorp Genetics (formerly Invitae), Labcorp
Classification: Uncertain significance. Last evaluated: 2025-09-17. Review status: criteria provided, single submitter. Criteria: Invitae Variant Classification Sherloc (09022015). Collection method: clinical testing. Allele origin: germline.
Comment: This sequence change replaces valine, which is neutral and non-polar, with isoleucine, which is neutral and non-polar, at codon 293 of the COQ6 protein (p.Val293Ile). This variant is present in population databases (rs201706177, gnomAD 0.01%). This variant has not been reported in the literature in individuals affected with COQ6-related conditions. ClinVar contains an entry for this variant (Variation ID: 1693622). Invitae Evidence Modeling of protein sequence and biophysical properties (such as structural, functional, and spatial information, amino acid conservation, physicochemical variation, residue mobility, and thermodynamic stability) indicates that this missense variant is not expected to disrupt COQ6 protein function with a negative predictive value of 80%. In summary, the available evidence is currently insufficient to determine the role of this variant in disease. Therefore, it has been classified as a Variant of Uncertain Significance.

Ambry Genetics
Classification: Likely benign for Inborn genetic diseases. Last evaluated: 2024-04-20. Review status: criteria provided, single submitter. Criteria: Ambry Variant Classification Scheme 2023. Collection method: clinical testing. Allele origin: germline.

Fulgent Genetics
Classification: Uncertain significance for Familial steroid-resistant nephrotic syndrome with sensorineural deafness. Last evaluated: 2024-03-18. Review status: criteria provided, single submitter. Criteria: ACMG Guidelines, 2015. Collection method: clinical testing. Allele origin: germline.

Mayo Clinic Laboratories, Mayo Clinic
Classification: Uncertain significance. Last evaluated: 2021-07-08. Review status: criteria provided, single submitter. Criteria: ACMG Guidelines, 2015. Collection method: clinical testing. Allele origin: germline.